The following is an entry in ClinVar:

ClinVar aggregate classification (germline): Uncertain significance (1 of 4 stars; one submission).

Conditions:
Tuberous sclerosis 2 (TSC2). Identifiers: Orphanet 805, MedGen C1860707, MONDO:0013199, OMIM 613254.

Submission:

Labcorp Genetics (formerly Invitae), Labcorp
Classification: Uncertain significance for Tuberous sclerosis 2. Last evaluated: 2023-11-06. Review status: criteria provided, single submitter. Criteria: Invitae Variant Classification Sherloc (09022015). Collection method: clinical testing. Allele origin: germline.
Comment: This variant, c.5128_5130del, results in the deletion of 1 amino acid(s) of the TSC2 protein (p.Phe1710del), but otherwise preserves the integrity of the reading frame. This variant is not present in population databases (gnomAD no frequency). This variant has been observed in individual(s) with clinical features of tuberous sclerosis complex (Invitae). In summary, the available evidence is currently insufficient to determine the role of this variant in disease. Therefore, it has been classified as a Variant of Uncertain Significance.

NM_000548.5(TSC2):c.5128_5130del (p.Phe1710del)

Gene: TSC2 (TSC complex subunit 2; plus strand). Cytogenetic location: 16p13.3.
Variant type: Deletion.
Coding change: c.5128_5130del on transcript NM_000548.5 (MANE Select); coding-DNA positions 5128 to 5130, 3 bases deleted (TTC; older notation c.5128_5130delTTC).
Protein change: p.Phe1710del; deletes phenylalanine 1710.
Molecular consequence: inframe deletion. On other transcripts: non-coding transcript variant (5).
Genome position (GRCh38, 1-based): chr16:2,088,107-2,088,109, TTC deleted; deleting any 3 consecutive bases within chr16:2,088,106-2,088,109 gives the same sequence; the c. name uses the placement nearest the transcript's 3' end. VCF-style (leftmost placement, unchanged base first): chr16-2088105-CCTT-C. GRCh37 (hg19) VCF-style: chr16-2138106-CCTT-C.
Other names: c.4927_4929del, p.Phe1643del (NM_001077183.3); c.5059_5061del, p.Phe1687del (NM_001114382.3); c.4819_4821del, p.Phe1607del (NM_001318827.2); c.4783_4785del, p.Phe1595del (NM_001318829.2); c.4396_4398del, p.Phe1466del (NM_001318831.2); c.4960_4962del, p.Phe1654del (NM_001318832.2); c.4930_4932del, p.Phe1644del (NM_001363528.2); c.4996_4998del, p.Phe1666del (NM_001370404.1); and 26 more; short protein forms F1196del, F1218del, F1486del, F1487del, F1594del, F1606del, F1638del, F1666del.
Identifiers: ClinVar variation 2693564 (VCV002693564.3), dbSNP rs2544479834, ClinGen allele CA2697549440.
Genomic context (GRCh38, chr16:2,088,105, plus strand): 5'-CAGACATGGAGGGCCTTGTGGACACCAGCGTGGCCAAGATCGTGTCTGACCGCAACCTGC[CCTT>C]CGTGGCCCGCCAGATGGCCCTGCACGCAAATGTGAGTGGGGGTGGGTCCAGGCGTGAGCT-3'